The following is an entry in ClinVar:

NM_001267550.2(TTN):c.104857G>T (p.Val34953Leu)

Genes: TTN-AS1 (TTN antisense RNA 1; plus strand), TTN (titin; minus strand). Cytogenetic location: 2q31.2.
Variant type: single nucleotide variant.
Coding change: c.104857G>T on transcript NM_001267550.2 (MANE Select); coding-DNA position 104857, G replaced by T.
Protein change: p.Val34953Leu; replaces valine 34953 with leucine.
Molecular consequence: missense variant.
Genome position (GRCh38, 1-based): chr2:178,531,758, C>A on the plus strand (G>T on the coding strand, the complement: TTN is on the minus strand). VCF-style: chr2-178531758-C-A. GRCh37 (hg19) VCF-style: chr2-179396485-C-A.
Other names: c.99934G>T, p.Val33312Leu (NM_001256850.1); c.77662G>T, p.Val25888Leu (NM_003319.4); c.97153G>T, p.Val32385Leu (NM_133378.4); c.78037G>T, p.Val26013Leu (NM_133432.3); c.78238G>T, p.Val26080Leu (NM_133437.4); short protein forms V26013L, V25888L, V34953L, V32385L, V33312L, V26080L.
Identifiers: ClinVar variation 2070228 (VCV002070228.4), dbSNP rs776593972, ClinGen allele CA1985346.

ClinVar aggregate classification (germline): Uncertain significance (1 of 4 stars; one submission).

Conditions:
Dilated cardiomyopathy 1G (CMD1G). Identifiers: Orphanet 154, MedGen C1858763, MONDO:0011400, OMIM 604145.
Autosomal recessive limb-girdle muscular dystrophy type 2J (LGMDR10). Also called: Limb-girdle muscular dystrophy, type 2J; MUSCULAR DYSTROPHY, LIMB-GIRDLE, AUTOSOMAL RECESSIVE 10. Identifiers: Orphanet 140922, MedGen C1837342, MONDO:0012127, OMIM 608807.

gnomAD v4.1: 2 of 1,613,944 alleles (0.00012%); highest among the groups gnomAD compares: Admixed American, 0.0033%; no homozygotes.

Submission:

Labcorp Genetics (formerly Invitae), Labcorp
Classification: Uncertain significance for Dilated cardiomyopathy 1G; Autosomal recessive limb-girdle muscular dystrophy type 2J. Last evaluated: 2022-01-02. Review status: criteria provided, single submitter. Criteria: Invitae Variant Classification Sherloc (09022015). Collection method: clinical testing. Allele origin: germline.
Comment: This sequence change replaces valine, which is neutral and non-polar, with leucine, which is neutral and non-polar, at codon 34953 of the TTN protein (p.Val34953Leu). This variant is present in population databases (rs776593972, gnomAD 0.006%). This variant has not been reported in the literature in individuals affected with TTN-related conditions. Experimental studies and prediction algorithms are not available or were not evaluated, and the functional significance of this variant is currently unknown. In summary, the available evidence is currently insufficient to determine the role of this variant in disease. Therefore, it has been classified as a Variant of Uncertain Significance. This variant is located in the M band of TTN (PMID: 25589632). Variants in this region may be relevant for neuromuscular disorders, but have not been definitively shown to cause cardiomyopathy (PMID: 23975875).

Literature cited by the submitters: PubMed 25589632; PubMed 23975875.